The following is an entry in ClinVar:

ClinVar aggregate classification (germline): Pathogenic. Review status: criteria provided, single submitter (1 of 4 stars). 3 submissions from 3 submitters: Pathogenic (1). 2 of the submissions do not count toward it. Last evaluated 2025-11-20.

Conditions:
Osteogenesis imperfecta type 6. Also called: Osteogenesis imperfecta, type VI. Identifiers: Orphanet 666, MedGen C3279564, MONDO:0013515, OMIM 613982.

Submissions (3):

MVZ Martinsried, Medicover Genetics
Classification: Pathogenic for Osteogenesis imperfecta type 6. Last evaluated: 2025-11-20. Review status: criteria provided, single submitter. Criteria: ACGS Guidelines, 2020. Collection method: clinical testing. Allele origin: unknown. Affected: yes. Observed: 1 compound heterozygote.
Comment: Confirmed in trans with variant NM_002615.7(SERPINF1):c.80dup

OMIM
Classification: Pathogenic for OSTEOGENESIS IMPERFECTA, TYPE VI. Last evaluated: 2011-03-11. Review status: no assertion criteria provided. Collection method: literature only. Allele origin: germline. Not counted in ClinVar's aggregate classification.

Osteogenesis Imperfecta Variant Database (SERPINF1)
No classification provided. Last evaluated: 2011-03-02. Review status: no classification provided. Collection method: curation. Allele origin: unknown. Not counted in ClinVar's aggregate classification.

Literature cited by the submitters: PubMed 21353196 (cited by OMIM).

NM_002615.7(SERPINF1):c.324_325dup (p.Tyr109fs)

Gene: SERPINF1 (serpin family F member 1; plus strand). Cytogenetic location: 17p13.3.
Variant type: Microsatellite.
Coding change: c.324_325dup on transcript NM_002615.7 (MANE Select); coding-DNA positions 324 to 325, 2 bases duplicated (CT; older notation c.324_325dupCT).
Protein change: p.Tyr109fs; shifts the reading frame from tyrosine 109.
Molecular consequence: frameshift variant. On other transcripts: 5 prime UTR variant (1).
Genome position (GRCh38, 1-based): chr17:1,771,069-1,771,070, CT duplicated; duplicating any 2 consecutive bases within chr17:1,771,065-1,771,070 gives the same sequence; the c. name uses the placement nearest the transcript's 3' end. VCF-style (leftmost placement, unchanged base first): chr17-1771064-G-GCT. GRCh37 (hg19) VCF-style: chr17-1674358-G-GCT.
Other names: c.324_325dup, p.Tyr109fs (NM_001329903.2); c.-242CT[4] (NM_001329904.2); short protein forms Y109fs.
Identifiers: ClinVar variation 31852 (VCV000031852.4), dbSNP rs193302871, ClinGen allele CA215408.